The following is an entry in ClinVar:

NM_004655.4(AXIN2):c.2017A>C (p.Thr673Pro)

Gene: AXIN2 (axin 2; minus strand). Cytogenetic location: 17q24.1.
Variant type: single nucleotide variant.
Coding change: c.2017A>C on transcript NM_004655.4 (MANE Select); coding-DNA position 2017, A replaced by C.
Protein change: p.Thr673Pro; replaces threonine 673 with proline.
Molecular consequence: missense variant.
Genome position (GRCh38, 1-based): chr17:65,536,444, T>G on the plus strand (A>C on the coding strand, the complement: AXIN2 is on the minus strand). VCF-style: chr17-65536444-T-G. GRCh37 (hg19) VCF-style: chr17-63532562-T-G.
Other names: c.1822A>C, p.Thr608Pro (NM_001363813.1); short protein forms T608P, T673P.
Identifiers: ClinVar variation 2575120 (VCV002575120.7), dbSNP rs2144441923, ClinGen allele CA400676152.

ClinVar aggregate classification (germline): Uncertain significance. Review status: criteria provided, multiple submitters, no conflicts (2 of 4 stars). 2 submissions from 2 submitters: Uncertain significance (2). Last evaluated 2025-07-25.

Conditions:
Hereditary cancer-predisposing syndrome. Also called: Tumor predisposition; Hereditary neoplastic syndrome; Neoplastic Syndromes, Hereditary; Hereditary Cancer Syndrome. Identifiers: Orphanet 140162, MedGen C0027672, MeSH D009386, MONDO:0015356.

Submissions (2):

Ambry Genetics
Classification: Uncertain significance for Hereditary cancer-predisposing syndrome. Last evaluated: 2025-07-25. Review status: criteria provided, single submitter. Criteria: Ambry Variant Classification Scheme 2023. Collection method: clinical testing. Allele origin: germline.
Comment: The p.T673P variant (also known as c.2017A>C), located in coding exon 7 of the AXIN2 gene, results from an A to C substitution at nucleotide position 2017. The threonine at codon 673 is replaced by proline, an amino acid with highly similar properties. This amino acid position is conserved. In addition, this alteration is predicted to be tolerated by in silico analysis. Based on the available evidence, the clinical significance of this variant remains unclear.

Center for Genomic Medicine, Rigshospitalet, Copenhagen University Hospital
Classification: Uncertain significance. Last evaluated: 2025-03-04. Review status: criteria provided, single submitter. Criteria: ACMG Guidelines, 2015. Collection method: clinical testing. Allele origin: germline.